The following is an entry in ClinVar:

ClinVar aggregate classification (germline): Uncertain significance. Review status: criteria provided, multiple submitters, no conflicts (2 of 4 stars). 2 submissions from 2 submitters: Uncertain significance (2). Last evaluated 2025-08-08.

Conditions:
Neuropathy, hereditary sensory, type 2C. Also called: KIF1A-Related HSAN2 (HSAN2C); Hereditary sensory and autonomic neuropathy type IIC. Identifiers: Orphanet 970, MedGen C3280168, MONDO:0013634, OMIM 614213.
Hereditary spastic paraplegia 30. Identifiers: Orphanet 101010, MedGen C5235139, MONDO:0012476.
Intellectual disability, autosomal dominant 9 (NESCAVS). Also called: KIF1A-Related Neurodevelopmental Disorder; NESCAV SYNDROME. Identifiers: Orphanet 662367, MedGen C5393830, MONDO:0013656, OMIM 614255.

gnomAD v4.1: 4 of 1,613,950 alleles (0.00025%); highest among the groups gnomAD compares: South Asian, 0.0022%; no homozygotes.

Submissions (2):

GeneDx
Classification: Uncertain significance. Last evaluated: 2025-08-08. Review status: criteria provided, single submitter. Criteria: GeneDx Variant Classification Process June 2021. Collection method: clinical testing. Allele origin: germline. Affected: yes.
Comment: In silico analysis supports that this missense variant has a deleterious effect on protein structure/function; Has not been previously published as pathogenic or benign to our knowledge

Labcorp Genetics (formerly Invitae), Labcorp
Classification: Uncertain significance for Hereditary spastic paraplegia 30; Neuropathy, hereditary sensory, type 2C; Intellectual disability, autosomal dominant 9. Last evaluated: 2025-02-19. Review status: criteria provided, single submitter. Criteria: Invitae Variant Classification Sherloc (09022015). Collection method: clinical testing. Allele origin: germline.
Comment: This sequence change replaces histidine, which is basic and polar, with aspartic acid, which is acidic and polar, at codon 868 of the KIF1A protein (p.His868Asp). This variant is present in population databases (rs754978073, gnomAD 0.003%). This variant has not been reported in the literature in individuals affected with KIF1A-related conditions. Invitae Evidence Modeling of protein sequence and biophysical properties (such as structural, functional, and spatial information, amino acid conservation, physicochemical variation, residue mobility, and thermodynamic stability) has been performed for this missense variant. However, the output from this modeling did not meet the statistical confidence thresholds required to predict the impact of this variant on KIF1A protein function. In summary, the available evidence is currently insufficient to determine the role of this variant in disease. Therefore, it has been classified as a Variant of Uncertain Significance.

NM_001244008.2(KIF1A):c.2905C>G (p.His969Asp)

Gene: KIF1A (kinesin family member 1A; minus strand). Cytogenetic location: 2q37.3.
Variant type: single nucleotide variant.
Coding change: c.2905C>G on transcript NM_001244008.2 (MANE Select); coding-DNA position 2905, C replaced by G.
Protein change: p.His969Asp; replaces histidine 969 with aspartic acid.
Molecular consequence: missense variant.
Genome position (GRCh38, 1-based): chr2:240,750,501, G>C on the plus strand (C>G on the coding strand, the complement: KIF1A is on the minus strand). VCF-style: chr2-240750501-G-C. GRCh37 (hg19) VCF-style: chr2-241689918-G-C.
Other names: c.2629C>G, p.His877Asp (NM_001320705.2, NM_001330289.2, NM_001379638.1); c.2704C>G, p.His902Asp (NM_001330290.2, NM_001379634.1, NM_001379635.1 and 1 more transcripts); c.2980C>G, p.His994Asp (NM_001379631.1); c.2854C>G, p.His952Asp (NM_001379632.1); c.2878C>G, p.His960Asp (NM_001379633.1, NM_001379642.1, NM_001379645.1); c.2602C>G, p.His868Asp (NM_001379636.1, NM_001379639.1, NM_001379640.1 and 6 more transcripts); c.2677C>G, p.His893Asp (NM_001379637.1, NM_001379648.1); c.2602C>G (NM_004321.6); short protein forms H868D, H877D, H893D, H902D, H952D, H960D, H969D, H994D.
Identifiers: ClinVar variation 3748268 (VCV003748268.3).